The following is an entry in ClinVar:

NM_004415.4(DSP):c.2130+6dup

Gene: DSP (desmoplakin; plus strand). Cytogenetic location: 6p24.3.
Variant type: Duplication.
Coding change: c.2130+6dup on transcript NM_004415.4 (MANE Select); 6 bases into the intron after coding-DNA position 2130, one base duplicated (T; older notation c.2130+6dupT).
Molecular consequence: intron variant.
Genome position (GRCh38, 1-based): chr6:7,572,074, T duplicated. VCF-style (leftmost placement, unchanged base first): chr6-7572073-G-GT. GRCh37 (hg19) VCF-style: chr6-7572306-G-GT.
Other names: c.2130+6dup (NM_001319034.2, NM_001008844.3).
Identifiers: ClinVar variation 919301 (VCV000919301.3), dbSNP rs1759074746, ClinGen allele CA1139659329.

ClinVar aggregate classification (germline): Uncertain significance (1 of 4 stars; one submission).

Conditions:
Cardiomyopathy (CMYO). Also called: Cardiomyopathies. Identifiers: Orphanet 167848, MedGen C0878544, MONDO:0004994, HP:0001638. Inheritance: Various modes of inheritance.

Submission:

Color Diagnostics, LLC DBA Color Health
Classification: Uncertain significance for Cardiomyopathy. Last evaluated: 2019-10-14. Review status: criteria provided, single submitter. Criteria: ACMG Guidelines, 2015. Collection method: clinical testing. Allele origin: germline.
Comment: This variant causes an insertion of 1 nucleotide in intron 15 of the DSP gene. Splice site prediction tools and conservation analysis are inconclusive regarding the impact of this variant on RNA splicing. To our knowledge, functional studies have not been performed for this variant. This variant has not been reported in individuals affected with cardiovascular disorders in the literature. This variant has not been identified in the general population by the Genome Aggregation Database (gnomAD). The available evidence is insufficient to determine the role of this variant in disease conclusively. Therefore, this variant is classified as a Variant of Uncertain Significance.